The following is an entry in ClinVar:

ClinVar aggregate classification (germline): Uncertain significance (1 of 4 stars; one submission).

gnomAD v4.1: 1 of 1,591,488 alleles (0.000063%); highest among the groups gnomAD compares: Non-Finnish European, 0.000086%; no homozygotes.

Submission:

Labcorp Genetics (formerly Invitae), Labcorp
Classification: Uncertain significance. Last evaluated: 2025-11-15. Review status: criteria provided, single submitter. Criteria: Invitae Variant Classification Sherloc (09022015). Collection method: clinical testing. Allele origin: germline.
Comment: This sequence change replaces histidine, which is basic and polar, with arginine, which is basic and polar, at codon 330 of the PPA2 protein (p.His330Arg). This variant is not present in population databases (gnomAD no frequency). This variant has not been reported in the literature in individuals affected with PPA2-related conditions. Invitae Evidence Modeling of protein sequence and biophysical properties (such as structural, functional, and spatial information, amino acid conservation, physicochemical variation, residue mobility, and thermodynamic stability) has been performed for this missense variant. However, the output from this modeling did not meet the statistical confidence thresholds required to predict the impact of this variant on PPA2 protein function. In summary, the available evidence is currently insufficient to determine the role of this variant in disease. Therefore, it has been classified as a Variant of Uncertain Significance.

NM_176869.3(PPA2):c.989A>G (p.His330Arg)

Gene: PPA2 (inorganic pyrophosphatase 2; minus strand). Cytogenetic location: 4q24.
Variant type: single nucleotide variant.
Coding change: c.989A>G on transcript NM_176869.3 (MANE Select); coding-DNA position 989, A replaced by G.
Protein change: p.His330Arg; replaces histidine 330 with arginine.
Molecular consequence: missense variant.
Genome position (GRCh38, 1-based): chr4:105,369,741, T>C on the plus strand (A>G on the coding strand, the complement: PPA2 is on the minus strand). VCF-style: chr4-105369741-T-C. GRCh37 (hg19) VCF-style: chr4-106290898-T-C.
Other names: c.902A>G, p.His301Arg (NM_006903.4); c.683A>G, p.His228Arg (NM_176866.2); c.491A>G, p.His164Arg (NM_176867.3); short protein forms H164R, H228R, H330R, H301R.
Identifiers: ClinVar variation 4753474 (VCV004753474.1).
Genomic context (GRCh38, chr4:105,369,741, plus strand): 5'-CCTTAGAGATGGGAATCTTGACAGCAGAATTTCAGATGTTTCAATCACTTGCCAAGGAAG[T>C]GCCACACTTGCTCTGCATTTAAAATGGGGAAAGAGGGTATTAGGGAAGGGATAAGAGGAG-3'
Protein context (NP_789845.1, residues 320-334): KESNEEEQVW[His330Arg]FLGK